The following is an entry in ClinVar:

NM_000138.5(FBN1):c.6434C>A (p.Thr2145Lys)

Gene: FBN1 (fibrillin 1; minus strand). Cytogenetic location: 15q21.1.
Variant type: single nucleotide variant.
Coding change: c.6434C>A on transcript NM_000138.5 (MANE Select); coding-DNA position 6434, C replaced by A.
Protein change: p.Thr2145Lys; replaces threonine 2145 with lysine.
Molecular consequence: missense variant.
Genome position (GRCh38, 1-based): chr15:48,437,023, G>T on the plus strand (C>A on the coding strand, the complement: FBN1 is on the minus strand). VCF-style: chr15-48437023-G-T. GRCh37 (hg19) VCF-style: chr15-48729220-G-T.
Other names: c.6434C>A, p.Thr2145Lys (NM_001406716.1); short protein forms T2145K.
Identifiers: ClinVar variation 1753509 (VCV001753509.2), dbSNP rs2043078019, ClinGen allele CA392336594.

ClinVar aggregate classification (germline): Uncertain significance (1 of 4 stars; one submission).

Conditions:
Familial thoracic aortic aneurysm and aortic dissection (TAAD). Also called: Thoracic aortic aneurysms and dissections. Identifiers: Orphanet 91387, MedGen C4707243, MONDO:0019625.

Submission:

Ambry Genetics
Classification: Uncertain significance for Familial thoracic aortic aneurysm and aortic dissection. Last evaluated: 2019-05-19. Review status: criteria provided, single submitter. Criteria: Ambry Variant Classification Scheme 2023. Collection method: clinical testing. Allele origin: germline.
Comment: The p.T2145K variant (also known as c.6434C>A), located in coding exon 52 of the FBN1 gene, results from a C to A substitution at nucleotide position 6434. The threonine at codon 2145 is replaced by lysine, an amino acid with similar properties. Another alteration affecting the same amino acid, p.T2145P (c.6433A>C), has been reported in association with Marfan syndrome (Comeglio P et al. Hum. Mutat., 2007 Sep;28:928). This amino acid position is highly conserved in available vertebrate species. In addition, this alteration is predicted to be deleterious by in silico analysis. Since supporting evidence is limited at this time, the clinical significance of this alteration remains unclear.

Literature cited by the submitters: PubMed 17657824.